The following is an entry in ClinVar:

NM_016616.5(NME8):c.1720G>A (p.Ala574Thr)

Gene: NME8 (NME/NM23 family member 8; plus strand). Cytogenetic location: 7p14.1.
Variant type: single nucleotide variant.
Coding change: c.1720G>A on transcript NM_016616.5 (MANE Select); coding-DNA position 1720, G replaced by A.
Protein change: p.Ala574Thr; replaces alanine 574 with threonine.
Molecular consequence: missense variant.
Genome position (GRCh38, 1-based): chr7:37,897,045, G>A. VCF-style: chr7-37897045-G-A. GRCh37 (hg19) VCF-style: chr7-37936647-G-A.
Other names: short protein forms A574T.
Identifiers: ClinVar variation 2073929 (VCV002073929.4), dbSNP rs777092381, ClinGen allele CA4222603.

ClinVar aggregate classification (germline): Uncertain significance (1 of 4 stars; one submission).

Conditions:
Primary ciliary dyskinesia 6. Also called: Primary Ciliary Dyskinesia 6: TXNDC3-Related Primary Ciliary Dyskinesia. Identifiers: Orphanet 244, MedGen C1970506, MONDO:0012571, OMIM 610852.

Allele frequency attached by ClinVar (database versions not stated): gnomAD exomes 0.00001; gnomAD 0.00003; TOPMed 0.00003; ExAC 0.00006.

Submission:

Labcorp Genetics (formerly Invitae), Labcorp
Classification: Uncertain significance for Primary ciliary dyskinesia 6. Last evaluated: 2024-10-16. Review status: criteria provided, single submitter. Criteria: Invitae Variant Classification Sherloc (09022015). Collection method: clinical testing. Allele origin: germline.
Comment: This sequence change replaces alanine, which is neutral and non-polar, with threonine, which is neutral and polar, at codon 574 of the NME8 protein (p.Ala574Thr). This variant is present in population databases (rs777092381, gnomAD 0.02%). This variant has not been reported in the literature in individuals affected with NME8-related conditions. ClinVar contains an entry for this variant (Variation ID: 2073929). Invitae Evidence Modeling of protein sequence and biophysical properties (such as structural, functional, and spatial information, amino acid conservation, physicochemical variation, residue mobility, and thermodynamic stability) has been performed for this missense variant. However, the output from this modeling did not meet the statistical confidence thresholds required to predict the impact of this variant on NME8 protein function. In summary, the available evidence is currently insufficient to determine the role of this variant in disease. Therefore, it has been classified as a Variant of Uncertain Significance.